The following is an entry in ClinVar:

ClinVar aggregate classification (germline): Pathogenic (1 of 4 stars; one submission).

Submission:

Labcorp Genetics (formerly Invitae), Labcorp
Classification: Pathogenic. Last evaluated: 2019-10-16. Review status: criteria provided, single submitter. Criteria: Invitae Variant Classification Sherloc (09022015). Collection method: clinical testing. Allele origin: germline.
Comment: This sequence change creates a premature translational stop signal (p.Ser3287Ilefs*16) in the ADGRV1 gene. It is expected to result in an absent or disrupted protein product. This variant is present in population databases (rs763639530, ExAC 0.01%). This variant has not been reported in the literature in individuals with ADGRV1-related conditions. Loss-of-function variants in ADGRV1 are known to be pathogenic (PMID: 19357117, 22135276, 22147658). For these reasons, this variant has been classified as Pathogenic.

Literature cited by the submitters: PubMed 19357117; PubMed 22135276; PubMed 22147658.

NM_032119.4(ADGRV1):c.9858dup (p.Ser3287fs)

Gene: ADGRV1 (adhesion G protein-coupled receptor V1; plus strand). Cytogenetic location: 5q14.3.
Variant type: Duplication.
Coding change: c.9858dup on transcript NM_032119.4 (MANE Select); coding-DNA position 9858, one base duplicated (A; older notation c.9858dupA).
Protein change: p.Ser3287fs; shifts the reading frame from serine 3287.
Molecular consequence: frameshift variant. On other transcripts: non-coding transcript variant (1).
Genome position (GRCh38, 1-based): chr5:90,724,941, A duplicated; the last of 4 consecutive A bases (chr5:90,724,938-90,724,941); duplicating any one gives the same sequence. VCF-style (leftmost placement, unchanged base first): chr5-90724937-G-GA. GRCh37 (hg19) VCF-style: chr5-90020754-G-GA.
Other names: short protein forms S3287fs.
Identifiers: ClinVar variation 967856 (VCV000967856.4), dbSNP rs763639530, ClinGen allele CA3340608.